The following is an entry in ClinVar:

NM_030665.4(RAI1):c.5682C>G (p.Asn1894Lys)

Gene: RAI1 (retinoic acid induced 1; plus strand). Cytogenetic location: 17p11.2.
Variant type: single nucleotide variant.
Coding change: c.5682C>G on transcript NM_030665.4 (MANE Select); coding-DNA position 5682, C replaced by G.
Protein change: p.Asn1894Lys; replaces asparagine 1894 with lysine.
Molecular consequence: missense variant.
Genome position (GRCh38, 1-based): chr17:17,809,412, C>G. VCF-style: chr17-17809412-C-G. GRCh37 (hg19) VCF-style: chr17-17712726-C-G.
Other names: short protein forms N1894K.
Identifiers: ClinVar variation 1494428 (VCV001494428.6), dbSNP rs2143006563, ClinGen allele CA398560274.

ClinVar aggregate classification (germline): Uncertain significance (1 of 4 stars; one submission).

Submission:

Labcorp Genetics (formerly Invitae), Labcorp
Classification: Uncertain significance. Last evaluated: 2021-09-09. Review status: criteria provided, single submitter. Criteria: Invitae Variant Classification Sherloc (09022015). Collection method: clinical testing. Allele origin: germline.
Comment: This variant is not present in population databases (ExAC no frequency). This variant has not been reported in the literature in individuals affected with RAI1-related conditions. Algorithms developed to predict the effect of missense changes on protein structure and function (SIFT, PolyPhen-2, Align-GVGD) all suggest that this variant is likely to be disruptive. In summary, the available evidence is currently insufficient to determine the role of this variant in disease. Therefore, it has been classified as a Variant of Uncertain Significance. This sequence change replaces asparagine with lysine at codon 1894 of the RAI1 protein (p.Asn1894Lys). The asparagine residue is highly conserved and there is a moderate physicochemical difference between asparagine and lysine.